The following is an entry in ClinVar:

ClinVar aggregate classification (germline): Uncertain significance (1 of 4 stars; one submission).

Conditions:
Cardiomyopathy (CMYO). Also called: Cardiomyopathies. Identifiers: Orphanet 167848, MedGen C0878544, MONDO:0004994, HP:0001638. Inheritance: Various modes of inheritance.

Submission:

Color Diagnostics, LLC DBA Color Health
Classification: Uncertain significance for Cardiomyopathy. Last evaluated: 2023-12-04. Review status: criteria provided, single submitter. Criteria: ACMG Guidelines, 2015. Collection method: clinical testing. Allele origin: germline.
Comment: Variant of Uncertain Significance due to insufficient evidence: This missense variant is located in the Ig-like domain C1 of the MYBPC3 protein. Computational prediction tools and conservation analyses are inconclusive regarding the impact of this variant on the protein function. Computational splicing tools suggest that this variant may not impact RNA splicing. To our knowledge, functional assays have not been performed for this variant nor has this variant been reported in individuals affected with cardiovascular disorders in the literature. This variant is rare in the general population and has been identified in 0/277264 chromosomes by the Genome Aggregation Database (gnomAD). Available evidence is insufficient to determine the role of this variant in disease conclusively.

NM_000256.3(MYBPC3):c.644G>C (p.Arg215Pro)

Gene: MYBPC3 (myosin binding protein C3; minus strand). Cytogenetic location: 11p11.2.
Variant type: single nucleotide variant.
Coding change: c.644G>C on transcript NM_000256.3 (MANE Select); coding-DNA position 644, G replaced by C.
Protein change: p.Arg215Pro; replaces arginine 215 with proline.
Molecular consequence: missense variant.
Genome position (GRCh38, 1-based): chr11:47,349,784, C>G on the plus strand (G>C on the coding strand, the complement: MYBPC3 is on the minus strand). VCF-style: chr11-47349784-C-G. GRCh37 (hg19) VCF-style: chr11-47371335-C-G.
Other names: short protein forms R215P.
Identifiers: ClinVar variation 921629 (VCV000921629.5), dbSNP rs775580020, ClinGen allele CA380337173.
Genomic context (GRCh38, chr11:47,349,784, plus strand): 5'-GGCTCTCCATGTCCCCTCTCTCCGTGTCTCCACGACCCCGGTGGACCCACCTTGCTGGCG[C>G]GGTCGTAGCTGTCGTGCAGCTGCAGGTGCTGGCCCACCTTGCTGCTCAGGTCCACCCATT-3'
Protein context (NP_000247.2, residues 205-225): QHLQLHDSYD[Arg215Pro]ASKVYLFELH